The following is an entry in ClinVar:

NM_005787.6(ALG3):c.223A>G (p.Met75Val)

Gene: ALG3 (ALG3 alpha-1,3- mannosyltransferase; minus strand). Cytogenetic location: 3q27.1.
Variant type: single nucleotide variant.
Coding change: c.223A>G on transcript NM_005787.6 (MANE Select); coding-DNA position 223, A replaced by G.
Protein change: p.Met75Val; replaces methionine 75 with valine.
Molecular consequence: missense variant. On other transcripts: non-coding transcript variant (1).
Genome position (GRCh38, 1-based): chr3:184,245,786, T>C on the plus strand (A>G on the coding strand, the complement: ALG3 is on the minus strand). VCF-style: chr3-184245786-T-C. GRCh37 (hg19) VCF-style: chr3-183963574-T-C.
Other names: c.79A>G, p.Met27Val (NM_001006941.2); short protein forms M27V, M75V.
Identifiers: ClinVar variation 1351589 (VCV001351589.7), dbSNP rs961577496, ClinGen allele CA88880077.

ClinVar aggregate classification (germline): Uncertain significance. Review status: criteria provided, multiple submitters, no conflicts (2 of 4 stars). 2 submissions from 2 submitters: Uncertain significance (2). Last evaluated 2025-03-13.

Conditions:
ALG3-congenital disorder of glycosylation. Also called: CDG Id; ALG3-CDG; CARBOHYDRATE-DEFICIENT GLYCOPROTEIN SYNDROME, TYPE IV; CDGS, TYPE IV; CONGENITAL DISORDER OF GLYCOSYLATION, TYPE Id. Identifiers: Orphanet 79321, MedGen C1832736, MONDO:0010998, OMIM 601110.

Allele frequency attached by ClinVar (database versions not stated): gnomAD exomes below 0.00001 and 0.00001; gnomAD 0.00001 and 0.00002; TOPMed 0.00004.
gnomAD v4.1: 9 of 1,613,754 alleles (0.00056%); highest among the groups gnomAD compares: African/African-American, 0.0067%; no homozygotes.

Submissions (2):

ARUP Laboratories, Molecular Genetics and Genomics, ARUP Laboratories
Classification: Uncertain significance for ALG3-congenital disorder of glycosylation. Last evaluated: 2025-03-13. Review status: criteria provided, single submitter. Criteria: ARUP Molecular Germline Variant Investigation Process 2024. Collection method: clinical testing. Allele origin: germline.

Labcorp Genetics (formerly Invitae), Labcorp
Classification: Uncertain significance for ALG3-congenital disorder of glycosylation. Last evaluated: 2022-06-13. Review status: criteria provided, single submitter. Criteria: Invitae Variant Classification Sherloc (09022015). Collection method: clinical testing. Allele origin: germline.
Comment: This sequence change replaces methionine, which is neutral and non-polar, with valine, which is neutral and non-polar, at codon 75 of the ALG3 protein (p.Met75Val). This variant is present in population databases (no rsID available, gnomAD 0.008%). This variant has not been reported in the literature in individuals affected with ALG3-related conditions. Algorithms developed to predict the effect of missense changes on protein structure and function are either unavailable or do not agree on the potential impact of this missense change (SIFT: "Deleterious"; PolyPhen-2: "Probably Damaging"; Align-GVGD: "Class C15"). In summary, the available evidence is currently insufficient to determine the role of this variant in disease. Therefore, it has been classified as a Variant of Uncertain Significance.